The following is an entry in ClinVar:

ClinVar aggregate classification (germline): Pathogenic/Likely pathogenic. Review status: criteria provided, multiple submitters, no conflicts (2 of 4 stars). 4 submissions from 4 submitters: Pathogenic (2); Likely pathogenic (1). 1 of the submissions does not count toward it. Last evaluated 2025-01-07.

Conditions:
OPA1-related disorder. Also called: OPA1-related condition; OPA1-related disorders.
Abortive cerebellar ataxia (BEHRS). Also called: Behr syndrome; OPTIC ATROPHY, INFANTILE HEREDITARY, WITH NEUROLOGIC ABNORMALITIES. Identifiers: Orphanet 1239, MedGen C0221061, MONDO:0008858, OMIM 210000.

Allele frequency attached by ClinVar (database versions not stated): gnomAD exomes below 0.00001.
gnomAD v4.1: 1 of 1,613,512 alleles (0.000062%); highest among the groups gnomAD compares: Non-Finnish European, 0.000085%; no homozygotes.

Submissions (4):

GeneDx
Classification: Pathogenic. Last evaluated: 2025-01-07. Review status: criteria provided, single submitter. Criteria: GeneDx Variant Classification Process June 2021. Collection method: clinical testing. Allele origin: germline. Affected: yes.
Comment: Nonsense variant predicted to result in protein truncation or nonsense mediated decay in a gene for which loss of function is a known mechanism of disease; Not observed at significant frequency in large population cohorts (gnomAD); This variant is associated with the following publications: (PMID: 25525159, 34242285, 36284460, 33841295, 33884488, 25012220, 17016536)

Revvity Omics, Revvity
Classification: Likely pathogenic. Last evaluated: 2021-12-23. Review status: criteria provided, single submitter. Criteria: ACMG Guidelines, 2015. Collection method: clinical testing. Allele origin: germline.

Blueprint Genetics
Classification: Pathogenic for OPA1-related disorders. Last evaluated: 2019-03-12. Review status: criteria provided, single submitter. Criteria: ACMG Guidelines, 2015. Collection method: clinical testing. Allele origin: germline. Affected: yes. Observed: 1 variant allele.

OMIM
Classification: Pathogenic for BEHR SYNDROME. Last evaluated: 2016-08-18. Review status: no assertion criteria provided. Collection method: literature only. Allele origin: germline. Not counted in ClinVar's aggregate classification.

Literature cited by the submitters: PubMed 25012220 (cited by OMIM).

NM_130837.3(OPA1):c.2635C>T (p.Arg879Ter)

Gene: OPA1 (OPA1 mitochondrial dynamin like GTPase; plus strand). Cytogenetic location: 3q29.
Variant type: single nucleotide variant.
Coding change: c.2635C>T on transcript NM_130837.3 (MANE Select); coding-DNA position 2635, C replaced by T.
Protein change: p.Arg879Ter; replaces arginine 879 with a stop codon.
Molecular consequence: nonsense.
Genome position (GRCh38, 1-based): chr3:193,662,936, C>T. VCF-style: chr3-193662936-C-T. GRCh37 (hg19) VCF-style: chr3-193380725-C-T.
Other names: c.2101C>T, p.Arg701Ter (NM_001354663.2); c.2098C>T, p.Arg700Ter (NM_001354664.2); c.2470C>T, p.Arg824Ter (NM_015560.3); c.2362C>T, p.Arg788Ter (NM_130831.3); c.2416C>T, p.Arg806Ter (NM_130832.3); c.2473C>T, p.Arg825Ter (NM_130833.3); c.2524C>T, p.Arg842Ter (NM_130834.3); c.2527C>T, p.Arg843Ter (NM_130835.3); and 1 more; short protein forms R824*, R879*, R701*, R788*, R806*, R842*, R700*, R825*.
Identifiers: ClinVar variation 225121 (VCV000225121.8), dbSNP rs879255593, ClinGen allele CA10576005.